The following is an entry in ClinVar:

ClinVar aggregate classification (germline): Pathogenic/Likely pathogenic. Review status: criteria provided, multiple submitters, no conflicts (2 of 4 stars). 5 submissions from 5 submitters: Pathogenic (4); Likely pathogenic (1). Last evaluated 2025-07-06.

Conditions:
Kabuki syndrome. Also called: Kabuki make-up syndrome; NIIKAWA-KUROKI SYNDROME. Identifiers: Orphanet 2322, MedGen C0796004, MONDO:0016512.
Kabuki syndrome 1 (KABUK1). Also called: KMT2D-Related Kabuki Syndrome. Identifiers: Orphanet 2322, MedGen CN030661, MONDO:0007843, OMIM 147920.

Submissions (5):

Labcorp Genetics (formerly Invitae), Labcorp
Classification: Pathogenic for Kabuki syndrome. Last evaluated: 2025-07-06. Review status: criteria provided, single submitter. Criteria: Invitae Variant Classification Sherloc (09022015). Collection method: clinical testing. Allele origin: germline.
Comment: This sequence change creates a premature translational stop signal (p.Arg5448*) in the KMT2D gene. It is expected to result in an absent or disrupted protein product. Loss-of-function variants in KMT2D are known to be pathogenic (PMID: 22126750). This variant is not present in population databases (gnomAD no frequency). This premature translational stop signal has been observed in individual(s) with Kabuki syndrome (PMID: 21671394, 27302555). In at least one individual the variant was observed to be de novo. ClinVar contains an entry for this variant (Variation ID: 531888). For these reasons, this variant has been classified as Pathogenic.

Synevo Romania
Classification: Pathogenic for Kabuki syndrome 1. Last evaluated: 2025-05-29. Review status: criteria provided, single submitter. Criteria: ACMG Guidelines, 2015. Collection method: clinical testing. Allele origin: unknown. Inheritance: Autosomal dominant inheritance. Observed: 1 variant allele, 1 heterozygote.
Comment: The KMT2D:c.16342C>T p.(Arg5448*) variant is a nonsense alteration predicted to generate a premature stop codon. It is highly likely that the transcript is processed by the NMD complex or the resulted protein is truncated and with altered function, as other pathogenic nonsens variants have been reported up- and downstream of this location in the gene. KMT2D is documented haploinsufficient (ClinGen HI score=3). The variant seems absent from the general population (gnomAD v2.1.1), but the genomic region is flagged for low quality, thus the population criterion is not evaluable. This nonsense variant has been reported in affected individuals with specific Kabuki phenotype (PMID: 21671394, 27302555, 33616304) with at least one case reported as de novo. Based on this evidence, the variant has been classified as class 5, Pathogenic, based on ACMG guidelines. Criteria applied: PVS1, PP4, PM6.

GeneDx
Classification: Pathogenic. Last evaluated: 2023-07-27. Review status: criteria provided, single submitter. Criteria: GeneDx Variant Classification Process June 2021. Collection method: clinical testing. Allele origin: germline. Affected: yes.
Comment: Nonsense variant predicted to result in protein truncation or nonsense mediated decay in a gene for which loss of function is a known mechanism of disease; Not observed at significant frequency in large population cohorts (gnomAD); This variant is associated with the following publications: (PMID: 25525159, 33616304, 22126750, 21671394, 27302555)

Genomic Medicine Lab, University of California San Francisco
Classification: Pathogenic for Kabuki syndrome 1. Last evaluated: 2020-04-30. Review status: criteria provided, single submitter. Criteria: ACMG Guidelines, 2015. Collection method: clinical testing. Allele origin: de novo. Inheritance: Autosomal dominant inheritance. Affected: yes. Study: CSER-P3EGS.

Center for Human Genetics, Inc
Classification: Likely pathogenic for Kabuki syndrome 1. Last evaluated: 2016-11-01. Review status: criteria provided, single submitter. Criteria: ACMG Guidelines, 2015. Collection method: clinical testing. Allele origin: germline. Affected: yes.

Literature cited by the submitters: PubMed 22126750 (cited by Labcorp Genetics (formerly Invitae), Labcorp); PubMed 21671394 (cited by Labcorp Genetics (formerly Invitae), Labcorp and Synevo Romania); PubMed 27302555 (cited by Labcorp Genetics (formerly Invitae), Labcorp and Synevo Romania); PubMed 33616304 (cited by Synevo Romania).

NM_003482.4(KMT2D):c.16342C>T (p.Arg5448Ter)

Gene: KMT2D (lysine methyltransferase 2D; minus strand). Cytogenetic location: 12q13.12.
Variant type: single nucleotide variant.
Coding change: c.16342C>T on transcript NM_003482.4 (MANE Select); coding-DNA position 16342, C replaced by T.
Protein change: p.Arg5448Ter; replaces arginine 5448 with a stop codon.
Molecular consequence: nonsense.
Genome position (GRCh38, 1-based): chr12:49,022,350, G>A on the plus strand (C>T on the coding strand, the complement: KMT2D is on the minus strand). VCF-style: chr12-49022350-G-A. GRCh37 (hg19) VCF-style: chr12-49416133-G-A.
Other names: short protein forms R5448*.
Identifiers: ClinVar variation 531888 (VCV000531888.11), dbSNP rs1422752351, ClinGen allele CA384677189.